The following is an entry in ClinVar:

ClinVar aggregate classification (germline): Uncertain significance (1 of 4 stars; one submission).

Submission:

Labcorp Genetics (formerly Invitae), Labcorp
Classification: Uncertain significance. Last evaluated: 2023-11-09. Review status: criteria provided, single submitter. Criteria: Invitae Variant Classification Sherloc (09022015). Collection method: clinical testing. Allele origin: germline.
Comment: This sequence change creates a premature translational stop signal (p.Asn4Cysfs*3) in the COL4A6 gene. It is expected to result in an absent or disrupted protein product. However, the current clinical and genetic evidence is not sufficient to establish whether loss-of-function variants in COL4A6 cause disease. This variant is not present in population databases (gnomAD no frequency). This variant has not been reported in the literature in individuals affected with COL4A6-related conditions. In summary, the available evidence is currently insufficient to determine the role of this variant in disease. Therefore, it has been classified as a Variant of Uncertain Significance.

NM_001847.4(COL4A6):c.2_9dup (p.Asn4delinsCysLeuTer)

Gene: COL4A6 (collagen type IV alpha 6 chain; minus strand). Cytogenetic location: Xq22.3.
Variant type: Duplication.
Coding change: c.2_9dup on transcript NM_001847.4; coding-DNA positions 2 to 9, 8 bases duplicated (TGCTTATA; older notation c.2_9dupTGCTTATA).
Protein change: p.Asn4delinsCysLeuTer.
Molecular consequence: nonsense, initiator codon variant.
Genome position (GRCh38, 1-based): chrX:108,439,363-108,439,370, TATAAGCA duplicated on the plus strand (TGCTTATA on the coding strand, the reverse complement: COL4A6 is on the minus strand); duplicating any 8 consecutive bases within chrX:108,439,363-108,439,374 gives the same sequence; the c. name uses the placement nearest the transcript's 3' end. VCF-style (leftmost placement, unchanged base first): chrX-108439362-T-TTATAAGCA. GRCh37 (hg19) VCF-style: chrX-107682592-T-TTATAAGCA.
Other names: c.2_9dup, p.Asn4delinsCysLeuTer (NM_001440759.1).
Identifiers: ClinVar variation 2811334 (VCV002811334.3), dbSNP rs2523823436, ClinGen allele CA2739273679.